The following is an entry in ClinVar:

NM_000702.4(ATP1A2):c.960C>A (p.Ile320=)

Gene: ATP1A2 (ATPase Na+/K+ transporting subunit alpha 2; plus strand). Cytogenetic location: 1q23.2.
Variant type: single nucleotide variant.
Coding change: c.960C>A on transcript NM_000702.4 (MANE Select); coding-DNA position 960, C replaced by A.
Protein change: p.Ile320=; no amino-acid change (isoleucine 320 retained).
Molecular consequence: synonymous variant.
Genome position (GRCh38, 1-based): chr1:160,127,763, C>A. VCF-style: chr1-160127763-C-A. GRCh37 (hg19) VCF-style: chr1-160097553-C-A.
Identifiers: ClinVar variation 2639493 (VCV002639493.24), dbSNP rs777198055, ClinGen allele CA1194312.
Genomic context (GRCh38, chr1:160,127,763, plus strand): 5'-GGGGGTCTCCTTCTTCGTGCTCTCCCTCATCCTGGGCTACAGCTGGCTGGAGGCAGTCAT[C>A]TTCCTCATCGGCATCATAGTGGCCAACGTGCCTGAGGGGCTTCTGGCCACTGTCACTGTG-3'
Protein context (NP_000693.1, residues 310-330): ILGYSWLEAV[Ile320=]FLIGIIVANV

ClinVar aggregate classification (germline): Likely benign (1 of 4 stars; one submission).

Allele frequency attached by ClinVar (database versions not stated): ExAC 0.00001.
gnomAD v4.1: 4 of 1,614,046 alleles (0.00025%); highest among the groups gnomAD compares: Non-Finnish European, 0.00025%; no homozygotes.

Submission:

CeGaT Center for Human Genetics Tuebingen
Classification: Likely benign. Last evaluated: 2022-07-01. Review status: criteria provided, single submitter. Criteria: CeGaT Center For Human Genetics Tuebingen Variant Classification Criteria Version 2. Collection method: clinical testing. Allele origin: germline. Affected: yes. Observed: 1 variant allele.
Comment: ATP1A2: BP4, BP7